The following is an entry in ClinVar:

ClinVar aggregate classification (germline): Uncertain significance (1 of 4 stars; one submission).

Allele frequency attached by ClinVar (database versions not stated): gnomAD exomes 0.00001; TOPMed 0.00001; ExAC 0.00002.
gnomAD v4.1: 9 of 1,611,838 alleles (0.00056%); highest among the groups gnomAD compares: African/African-American, 0.0027%; no homozygotes.

Submission:

GeneDx
Classification: Uncertain significance. Last evaluated: 2023-01-20. Review status: criteria provided, single submitter. Criteria: GeneDx Variant Classification Process June 2021. Collection method: clinical testing. Allele origin: germline. Affected: yes.
Comment: In silico analysis supports that this missense variant has a deleterious effect on protein structure/function; Has not been previously published as pathogenic or benign to our knowledge

NM_004667.6(HERC2):c.3811C>T (p.Arg1271Trp)

Gene: HERC2 (HECT and RLD domain containing E3 ubiquitin protein ligase 2; minus strand). Cytogenetic location: 15q13.1.
Variant type: single nucleotide variant.
Coding change: c.3811C>T on transcript NM_004667.6 (MANE Select); coding-DNA position 3811, C replaced by T.
Protein change: p.Arg1271Trp; replaces arginine 1271 with tryptophan.
Molecular consequence: missense variant.
Genome position (GRCh38, 1-based): chr15:28,238,155, G>A on the plus strand (C>T on the coding strand, the complement: HERC2 is on the minus strand). VCF-style: chr15-28238155-G-A. GRCh37 (hg19) VCF-style: chr15-28483301-G-A.
Other names: short protein forms R1271W.
Identifiers: ClinVar variation 2573680 (VCV002573680.1), dbSNP rs763375687, ClinGen allele CA7442815.
Genomic context (GRCh38, chr15:28,238,155, plus strand): 5'-TCAAGGCATACAGCCTCACCTCCAAATACTGGCCAACACAAAACGCGTGCATGGATTCCC[G>A]GGTGTCTTCAAACTGCAAAGCAGCTTCCAAAGCTACCACTGGGTCTTCCCCTGCAAACTG-3'
Protein context (NP_004658.3, residues 1261-1281): LEAALQFEDT[Arg1271Trp]ESMHAFCVGQ